The following is an entry in ClinVar:

ClinVar aggregate classification (germline): Uncertain significance (1 of 4 stars; one submission).

Submission:

GeneDx
Classification: Uncertain significance. Last evaluated: 2024-12-10. Review status: criteria provided, single submitter. Criteria: GeneDx Variant Classification Process June 2021. Collection method: clinical testing. Allele origin: germline. Affected: yes.
Comment: Not observed at significant frequency in large population cohorts (gnomAD); In silico analysis indicates that this missense variant does not alter protein structure/function; Has not been previously published as pathogenic or benign to our knowledge

NM_001197104.2(KMT2A):c.2315C>G (p.Pro772Arg)

Gene: KMT2A (lysine methyltransferase 2A; plus strand). Cytogenetic location: 11q23.3.
Variant type: single nucleotide variant.
Coding change: c.2315C>G on transcript NM_001197104.2 (MANE Select); coding-DNA position 2315, C replaced by G.
Protein change: p.Pro772Arg; replaces proline 772 with arginine.
Molecular consequence: missense variant.
Genome position (GRCh38, 1-based): chr11:118,473,474, C>G. VCF-style: chr11-118473474-C-G. GRCh37 (hg19) VCF-style: chr11-118344189-C-G.
Other names: c.2414C>G, p.Pro805Arg (NM_001412597.1); c.2315C>G, p.Pro772Arg (NM_005933.4); short protein forms P772R, P805R.
Identifiers: ClinVar variation 3902908 (VCV003902908.1).